The following is an entry in ClinVar:

ClinVar aggregate classification (germline): Conflicting classifications of pathogenicity. Review status: criteria provided, conflicting classifications (1 of 4 stars). 2 submissions from 2 submitters: Uncertain significance (1); Likely benign (1). Last evaluated 2024-05-17.

Allele frequency attached by ClinVar (database versions not stated): gnomAD exomes 0.00004 and 0.00002; ExAC 0.00002; TOPMed 0.00003; gnomAD 0.00005.
gnomAD v4.1: 78 of 1,613,908 alleles (0.0048%); highest among the groups gnomAD compares: African/African-American, 0.021%; 1 homozygote.

Submissions (2):

Labcorp Genetics (formerly Invitae), Labcorp
Classification: Likely benign. Last evaluated: 2024-05-17. Review status: criteria provided, single submitter. Criteria: Invitae Variant Classification Sherloc (09022015). Collection method: clinical testing. Allele origin: germline.

GeneDx
Classification: Uncertain significance. Last evaluated: 2022-05-20. Review status: criteria provided, single submitter. Criteria: GeneDx Variant Classification Process June 2021. Collection method: clinical testing. Allele origin: germline. Affected: yes.
Comment: Not observed at significant frequency in large population cohorts (gnomAD); Has not been previously published as pathogenic or benign to our knowledge; In silico analysis, which includes splice predictors and evolutionary conservation, suggests this variant may impact gene splicing. In the absence of RNA/functional studies, the actual effect of this sequence change is unknown.

NM_001083961.2(WDR62):c.3558C>T (p.Ser1186=)

Gene: WDR62 (WD repeat domain 62; plus strand). Cytogenetic location: 19q13.12.
Variant type: single nucleotide variant.
Coding change: c.3558C>T on transcript NM_001083961.2 (MANE Select); coding-DNA position 3558, C replaced by T.
Protein change: p.Ser1186=; no amino-acid change (serine 1186 retained).
Molecular consequence: synonymous variant.
Genome position (GRCh38, 1-based): chr19:36,103,386, C>T. VCF-style: chr19-36103386-C-T. GRCh37 (hg19) VCF-style: chr19-36594288-C-T.
Other names: c.3543C>T, p.Ser1181= (NM_173636.5).
Identifiers: ClinVar variation 1574233 (VCV001574233.9), dbSNP rs111889921, ClinGen allele CA9396341.
Genomic context (GRCh38, chr19:36,103,386, plus strand): 5'-ATCTGCTTCCGTTACAGCTCCCTGCCTTACGAGCCTGGCGTCCTGTGTCCCTGCTTCCTC[C>T]GTGCTGCCCACAGACAGGAATCTCCCAACGCCCACATCTGCACCCACCCCAGGCCTGGCT-3'
Protein context (NP_001077430.1, residues 1176-1196): TSLASCVPAS[Ser1186=]VLPTDRNLPT